The following is an entry in ClinVar:

ClinVar aggregate classification (germline): Pathogenic (1 of 4 stars; one submission).

Conditions:
Inflammatory bowel disease 28. Also called: Inflammatory bowel disease 28, early onset, autosomal recessive. Identifiers: Orphanet 238569, MedGen C2751053, MONDO:0013153, OMIM 613148.

Submission:

Labcorp Genetics (formerly Invitae), Labcorp
Classification: Pathogenic for Inflammatory bowel disease 28. Last evaluated: 2023-07-14. Review status: criteria provided, single submitter. Criteria: Invitae Variant Classification Sherloc (09022015). Collection method: clinical testing. Allele origin: germline.
Comment: For these reasons, this variant has been classified as Pathogenic. This variant disrupts a region of the IL10RA protein in which other variant(s) (p.Arg262Cys) have been determined to be pathogenic (PMID: 21519361, 24001973; Invitae). This suggests that this is a clinically significant region of the protein, and that variants that disrupt it are likely to be disease-causing. ClinVar contains an entry for this variant (Variation ID: 1478637). This variant has not been reported in the literature in individuals affected with IL10RA-related conditions. This variant is not present in population databases (gnomAD no frequency). This sequence change creates a premature translational stop signal (p.Gln257*) in the IL10RA gene. While this is not anticipated to result in nonsense mediated decay, it is expected to disrupt the last 322 amino acid(s) of the IL10RA protein.

Literature cited by the submitters: PubMed 21519361; PubMed 24001973.

NM_001558.4(IL10RA):c.769C>T (p.Gln257Ter)

Gene: IL10RA (interleukin 10 receptor subunit alpha; plus strand). Cytogenetic location: 11q23.3.
Variant type: single nucleotide variant.
Coding change: c.769C>T on transcript NM_001558.4 (MANE Select); coding-DNA position 769, C replaced by T.
Protein change: p.Gln257Ter; replaces glutamine 257 with a stop codon.
Molecular consequence: nonsense. On other transcripts: non-coding transcript variant (1).
Genome position (GRCh38, 1-based): chr11:117,995,669, C>T. VCF-style: chr11-117995669-C-T. GRCh37 (hg19) VCF-style: chr11-117866384-C-T.
Other names: short protein forms Q257*.
Identifiers: ClinVar variation 1478637 (VCV001478637.8), dbSNP rs1214626558, ClinGen allele CA382776812.